The following is an entry in ClinVar:

ClinVar aggregate classification (germline): Conflicting classifications of pathogenicity. Review status: criteria provided, conflicting classifications (1 of 4 stars). 3 submissions from 3 submitters: Uncertain significance (2); Likely benign (1). Last evaluated 2026-01-27.

Conditions:
Inborn genetic diseases. Identifiers: MedGen C0950123, MeSH D030342.

gnomAD v4.1: 6 of 1,614,128 alleles (0.00037%); highest among the groups gnomAD compares: Admixed American, 0.0017%; no homozygotes.

Submissions (3):

Labcorp Genetics (formerly Invitae), Labcorp
Classification: Uncertain significance. Last evaluated: 2026-01-27. Review status: criteria provided, single submitter. Criteria: Invitae Variant Classification Sherloc (09022015). Collection method: clinical testing. Allele origin: germline.
Comment: This sequence change replaces valine, which is neutral and non-polar, with isoleucine, which is neutral and non-polar, at codon 448 of the MBD4 protein (p.Val448Ile). This variant is present in population databases (rs747394347, gnomAD 0.004%). This variant has not been reported in the literature in individuals affected with MBD4-related conditions. ClinVar contains an entry for this variant (Variation ID: 3699032). An algorithm developed to predict the effect of missense changes on protein structure and function outputs the following: PolyPhen-2: "Benign". The isoleucine amino acid residue is found in multiple mammalian species, which suggests that this missense change does not adversely affect protein function. In summary, the available evidence is currently insufficient to determine the role of this variant in disease. Therefore, it has been classified as a Variant of Uncertain Significance.

Ambry Genetics
Classification: Likely benign for Inborn genetic diseases. Last evaluated: 2025-05-17. Review status: criteria provided, single submitter. Criteria: Ambry Variant Classification Scheme 2023. Collection method: clinical testing. Allele origin: germline.

ARUP Laboratories, Molecular Genetics and Genomics, ARUP Laboratories
Classification: Uncertain significance. Last evaluated: 2024-11-22. Review status: criteria provided, single submitter. Criteria: ARUP Molecular Germline Variant Investigation Process 2024. Collection method: clinical testing. Allele origin: germline.
Comment: The MBD4 c.1342G>A; p.Val448Ile variant (rs747394347), to our knowledge, is not reported in the medical literature or gene specific databases. This variant is only observed on six alleles in the Genome Aggregation Database (v2.1.1), indicating it is not a common polymorphism. Computational analyses are uncertain whether this variant is neutral or deleterious (REVEL: 0.226). Due to limited information, the clinical significance of this variant is uncertain at this time.

NM_001276270.2(MBD4):c.1324G>A (p.Val442Ile)

Gene: MBD4 (methyl-CpG binding domain 4, DNA glycosylase; minus strand). Cytogenetic location: 3q21.3.
Variant type: single nucleotide variant.
Coding change: c.1324G>A on transcript NM_001276270.2 (MANE Select); coding-DNA position 1324, G replaced by A.
Protein change: p.Val442Ile; replaces valine 442 with isoleucine.
Molecular consequence: missense variant.
Genome position (GRCh38, 1-based): chr3:129,433,919, C>T on the plus strand (G>A on the coding strand, the complement: MBD4 is on the minus strand). VCF-style: chr3-129433919-C-T. GRCh37 (hg19) VCF-style: chr3-129152762-C-T.
Other names: c.1342G>A, p.Val448Ile (NM_001276271.2, NM_001276272.2, NM_003925.3); c.388G>A, p.Val130Ile (NM_001276273.2); short protein forms V130I, V442I, V448I.
Identifiers: ClinVar variation 3699032 (VCV003699032.4).